The following is an entry in ClinVar:

NM_006904.7(PRKDC):c.8912A>G (p.Gln2971Arg)

Gene: PRKDC (protein kinase, DNA-activated, catalytic subunit; minus strand). Cytogenetic location: 8q11.21.
Variant type: single nucleotide variant.
Coding change: c.8912A>G on transcript NM_006904.7 (MANE Select); coding-DNA position 8912, A replaced by G.
Protein change: p.Gln2971Arg; replaces glutamine 2971 with arginine.
Molecular consequence: missense variant.
Genome position (GRCh38, 1-based): chr8:47,823,868, T>C on the plus strand (A>G on the coding strand, the complement: PRKDC is on the minus strand). VCF-style: chr8-47823868-T-C. GRCh37 (hg19) VCF-style: chr8-48736429-T-C.
Other names: c.8912A>G, p.Gln2971Arg (NM_001081640.2); short protein forms Q2971R.
Identifiers: ClinVar variation 1520988 (VCV001520988.6), dbSNP rs184144490, ClinGen allele CA4739706.

ClinVar aggregate classification (germline): Uncertain significance (1 of 4 stars; one submission).

Conditions:
Severe combined immunodeficiency due to DNA-PKcs deficiency. Also called: Immunodeficiency 26 with or without neurologic abnormalities; IMMUNODEFICIENCY 26 WITH NEUROLOGIC ABNORMALITIES. Identifiers: Orphanet 317425, MedGen C4014833, MONDO:0014423, OMIM 615966.

Allele frequency attached by ClinVar (database versions not stated): gnomAD exomes below 0.00001 and 0.00001; TOPMed below 0.00001; ExAC 0.00001; gnomAD 0.00001; 1000 Genomes Project 30x 0.00016; 1000 Genomes Project 0.00020.
gnomAD v4.1: 2 of 1,613,718 alleles (0.00012%); highest among the groups gnomAD compares: East Asian, 0.0045%; no homozygotes.

Submission:

Labcorp Genetics (formerly Invitae), Labcorp
Classification: Uncertain significance for Severe combined immunodeficiency due to DNA-PKcs deficiency. Last evaluated: 2023-11-27. Review status: criteria provided, single submitter. Criteria: Invitae Variant Classification Sherloc (09022015). Collection method: clinical testing. Allele origin: germline.
Comment: This sequence change replaces glutamine with arginine at codon 2971 of the PRKDC protein (p.Gln2971Arg). The glutamine residue is weakly conserved and there is a small physicochemical difference between glutamine and arginine. This variant is present in population databases (rs184144490, gnomAD 0.01%). This variant has not been reported in the literature in individuals affected with PRKDC-related conditions. ClinVar contains an entry for this variant (Variation ID: 1520988). Advanced modeling of protein sequence and biophysical properties (such as structural, functional, and spatial information, amino acid conservation, physicochemical variation, residue mobility, and thermodynamic stability) performed at Invitae indicates that this missense variant is not expected to disrupt PRKDC protein function with a negative predictive value of 80%. In summary, the available evidence is currently insufficient to determine the role of this variant in disease. Therefore, it has been classified as a Variant of Uncertain Significance.